The following is an entry in ClinVar:

ClinVar aggregate classification (germline): Uncertain significance. Review status: criteria provided, multiple submitters, no conflicts (2 of 4 stars). 6 submissions from 6 submitters: Uncertain significance (6). Last evaluated 2025-12-28.

Conditions:
Congenital heart disease (CHD). Identifiers: MedGen C0152021, MONDO:0005453. Disease mechanism: unknown.
MYH6-related disorder. Also called: MYH6-Related Disorders; MYH6-related condition.
Cardiovascular phenotype. Identifiers: MedGen CN230736.
Hypertrophic cardiomyopathy 14. Identifiers: MedGen C2750467, MONDO:0013197, OMIM 613251.
Sick sinus syndrome 3, susceptibility to (SSS3). Identifiers: Orphanet 166282, MedGen C3279791, MONDO:0013568, OMIM 614090.
Hypertrophic cardiomyopathy 1 (CMH1). Also called: MYH7-Related Familial Hypertrophic Cardiomyopathy; Familial hypertrophic cardiomyopathy 1. Identifiers: MedGen C3495498, MONDO:0008647, OMIM 192600.
Atrial septal defect 3 (ASD3). Identifiers: Orphanet 1478, MedGen C3279790, MONDO:0013567, OMIM 614089.
Dilated cardiomyopathy 1EE (CMD1EE). Identifiers: Orphanet 154, MedGen C2750466, MONDO:0013198, OMIM 613252.

Allele frequency attached by ClinVar (database versions not stated): TOPMed below 0.00001; gnomAD 0.00001; gnomAD exomes 0.00001 and 0.00002; ExAC 0.00003; ESP Exome Variant Server 0.00008; 1000 Genomes Project 30x 0.00031; 1000 Genomes Project 0.00040.
gnomAD v4.1: 12 of 1,614,150 alleles (0.00074%); highest among the groups gnomAD compares: East Asian, 0.0045%; no homozygotes.

Submissions (6):

Labcorp Genetics (formerly Invitae), Labcorp
Classification: Uncertain significance for Hypertrophic cardiomyopathy 14. Last evaluated: 2025-12-28. Review status: criteria provided, single submitter. Criteria: Invitae Variant Classification Sherloc (09022015). Collection method: clinical testing. Allele origin: germline.
Comment: This sequence change replaces arginine, which is basic and polar, with cysteine, which is neutral and slightly polar, at codon 1899 of the MYH6 protein (p.Arg1899Cys). This variant is present in population databases (rs371607892, gnomAD 0.01%). This missense change has been observed in individual(s) with dilated cardiomyopathy (PMID: 20215591, 25163546). ClinVar contains an entry for this variant (Variation ID: 647390). Invitae Evidence Modeling of protein sequence and biophysical properties (such as structural, functional, and spatial information, amino acid conservation, physicochemical variation, residue mobility, and thermodynamic stability) indicates that this missense variant is expected to disrupt MYH6 protein function with a positive predictive value of 80%. In summary, the available evidence is currently insufficient to determine the role of this variant in disease. Therefore, it has been classified as a Variant of Uncertain Significance.

Ambry Genetics
Classification: Uncertain significance for Cardiovascular phenotype. Last evaluated: 2025-07-16. Review status: criteria provided, single submitter. Criteria: Ambry Variant Classification Scheme 2023. Collection method: clinical testing. Allele origin: germline.
Comment: The p.R1899C variant (also known as c.5695C>T), located in coding exon 36 of the MYH6 gene, results from a C to T substitution at nucleotide position 5695. The arginine at codon 1899 is replaced by cysteine, an amino acid with highly dissimilar properties. This amino acid position is highly conserved in available vertebrate species. In addition, this alteration is predicted to be deleterious by in silico analysis. Based on the available evidence, the clinical significance of this variant remains unclear.

PreventionGenetics, part of Exact Sciences
Classification: Uncertain significance for MYH6-related condition. Last evaluated: 2023-09-28. Review status: criteria provided, single submitter. Criteria: ACMG Guidelines, 2015. Collection method: clinical testing. Allele origin: germline.
Comment: The MYH6 c.5695C>T variant is predicted to result in the amino acid substitution p.Arg1899Cys. This variant has been reported in individuals with dilated cardiomyopathy (Hershberger et al. 2010. PubMed ID: 20215591; Table S6, Haas et al. 2015. PubMed ID: 25163546). This variant is reported in 0.011% of alleles in individuals of East Asian descent in gnomAD. Of note, a different substitution at the same codon defined as p.Arg1899His has been reported as a variant of uncertain significance in individuals with heart disease (stroke in Chang et al. 2022. PubMed ID: 36580209; sudden unexplained death in Shanks et al. 2018. PubMed ID: 29915097; recessive MYH6 genotypes associated with valvular disease and coarctation in Jin et al. 2017. PubMed ID: 28991257; dilated cardiomyopathy in Table S4, Verdonschot et al. 2020. PubMed ID: 32880476). At this time, the clinical significance of this variant is uncertain due to the absence of conclusive functional and genetic evidence.

Blueprint Genetics
Classification: Uncertain significance. Last evaluated: 2021-12-16. Review status: criteria provided, single submitter. Criteria: ACMG Guidelines, 2015. Collection method: clinical testing. Allele origin: germline.

Fulgent Genetics
Classification: Uncertain significance for Hypertrophic cardiomyopathy 1; Hypertrophic cardiomyopathy 14; Dilated cardiomyopathy 1EE; Atrial septal defect 3; Sick sinus syndrome 3, susceptibility to. Last evaluated: 2021-09-01. Review status: criteria provided, single submitter. Criteria: ACMG Guidelines, 2015. Collection method: clinical testing. Allele origin: unknown.

Cambridge Genomics Laboratory, East Genomic Laboratory Hub, NHS Genomic Medicine Service
Classification: Uncertain significance for Congenital heart disease. Last evaluated: 2020-02-13. Review status: criteria provided, single submitter. Criteria: ACGS Best Practice Guidelines for Variant Classification in Rare Disease 2020. Collection method: clinical testing. Allele origin: germline. Affected: yes. Observed: 1 variant allele.

Literature cited by the submitters: PubMed 20215591 (cited by Labcorp Genetics (formerly Invitae), Labcorp); PubMed 25163546 (cited by Labcorp Genetics (formerly Invitae), Labcorp).

NM_002471.4(MYH6):c.5695C>T (p.Arg1899Cys)

Gene: MYH6 (myosin heavy chain 6; minus strand). Cytogenetic location: 14q11.2.
Variant type: single nucleotide variant.
Coding change: c.5695C>T on transcript NM_002471.4 (MANE Select); coding-DNA position 5695, C replaced by T.
Protein change: p.Arg1899Cys; replaces arginine 1899 with cysteine.
Molecular consequence: missense variant.
Genome position (GRCh38, 1-based): chr14:23,382,529, G>A on the plus strand (C>T on the coding strand, the complement: MYH6 is on the minus strand). VCF-style: chr14-23382529-G-A. GRCh37 (hg19) VCF-style: chr14-23851738-G-A.
Other names: short protein forms R1899C.
Identifiers: ClinVar variation 647390 (VCV000647390.13), dbSNP rs371607892, ClinGen allele CA7114300.